The following is an entry in ClinVar:

ClinVar aggregate classification (germline): Conflicting classifications of pathogenicity. Review status: criteria provided, conflicting classifications (1 of 4 stars). 5 submissions from 5 submitters: Uncertain significance (4); Likely benign (1). Last evaluated 2025-12-19.

Conditions:
Infantile neuroaxonal dystrophy (NBIA2A). Also called: SEITELBERGER DISEASE; NEURODEGENERATION WITH BRAIN IRON ACCUMULATION 2A; Infantile neuroaxonal dystrophy 1. Identifiers: Orphanet 35069, MedGen C0270724, MONDO:0024457, OMIM 256600.

Allele frequency attached by ClinVar (database versions not stated): gnomAD 0.00017 and 0.00018; ESP Exome Variant Server 0.00023.
gnomAD v4.1: 190 of 1,613,942 alleles (0.012%); highest among the groups gnomAD compares: Non-Finnish European, 0.01%; 1 homozygote.

Submissions (5):

Labcorp Genetics (formerly Invitae), Labcorp
Classification: Likely benign for Infantile neuroaxonal dystrophy. Last evaluated: 2025-12-19. Review status: criteria provided, single submitter. Criteria: Invitae Variant Classification Sherloc (09022015). Collection method: clinical testing. Allele origin: germline.

GeneDx
Classification: Uncertain significance. Last evaluated: 2025-03-12. Review status: criteria provided, single submitter. Criteria: GeneDx Variant Classification Process June 2021. Collection method: clinical testing. Allele origin: germline. Affected: yes.
Comment: In silico analysis indicates that this missense variant does not alter protein structure/function; Has not been previously published as pathogenic or benign to our knowledge

Blueprint Genetics
Classification: Uncertain significance. Last evaluated: 2024-01-19. Review status: criteria provided, single submitter. Criteria: ACMG Guidelines, 2015. Collection method: clinical testing. Allele origin: germline.

Mayo Clinic Laboratories, Mayo Clinic
Classification: Uncertain significance. Last evaluated: 2023-03-27. Review status: criteria provided, single submitter. Criteria: ACMG Guidelines, 2015. Collection method: clinical testing. Allele origin: germline. Observed: 1 variant allele.

Women's Health and Genetics/Laboratory Corporation of America, LabCorp
Classification: Uncertain significance. Last evaluated: 2022-07-13. Review status: criteria provided, single submitter. Criteria: LabCorp Variant Classification Summary - May 2015. Collection method: clinical testing. Allele origin: germline.
Comment: Variant summary: PLA2G6 c.1835G>T (p.Arg612Leu) results in a non-conservative amino acid change located in the Patatin-like phospholipase domain of the encoded protein sequence. Four of five in-silico tools predict a benign effect of the variant on protein function. The variant allele was found at a frequency of 0.00019 in 251228 control chromosomes. This frequency is not significantly higher than expected for a pathogenic variant in PLA2G6 causing Neurodegeneration With Brain Iron Accumulation (0.00019 vs 0.00085), allowing no conclusion about variant significance. To our knowledge, no occurrence of c.1835G>T in individuals affected with Neurodegeneration With Brain Iron Accumulation and no experimental evidence demonstrating its impact on protein function have been reported. Two clinical diagnostic laboratories have submitted clinical-significance assessments for this variant to ClinVar after 2014 without evidence for independent evaluation. One laboratory classified the variant as benign/likely benign, and one laboratory classified the variant as uncertain significance. Based on the evidence outlined above, the variant was classified as uncertain significance.

NM_003560.4(PLA2G6):c.1835G>T (p.Arg612Leu)

Gene: PLA2G6 (phospholipase A2 group VI; minus strand). Cytogenetic location: 22q13.1.
Variant type: single nucleotide variant.
Coding change: c.1835G>T on transcript NM_003560.4 (MANE Select); coding-DNA position 1835, G replaced by T.
Protein change: p.Arg612Leu; replaces arginine 612 with leucine.
Molecular consequence: missense variant.
Genome position (GRCh38, 1-based): chr22:38,116,119, C>A on the plus strand (G>T on the coding strand, the complement: PLA2G6 is on the minus strand). VCF-style: chr22-38116119-C-A. GRCh37 (hg19) VCF-style: chr22-38512126-C-A.
Other names: p.Arg612Leu; c.1673G>T, p.Arg558Leu (NM_001004426.3, NM_001199562.3, NM_001349865.2 and 1 more transcripts); c.1835G>T, p.Arg612Leu (NM_001349864.2); c.1301G>T, p.Arg434Leu (NM_001349867.2); c.1157G>T, p.Arg386Leu (NM_001349868.2); c.1139G>T, p.Arg380Leu (NM_001349869.2); short protein forms R380L, R386L, R434L, R558L, R612L.
Identifiers: ClinVar variation 1217459 (VCV001217459.15), dbSNP rs200117092, ClinGen allele CA10230706.